The following is an entry in ClinVar:

NM_001987.5(ETV6):c.164-1G>C

Genes: ETV6 (ETS variant transcription factor 6; plus strand), LOC126861451 (BRD4-independent group 4 enhancer GRCh37_chr12:11991350-11992549; plus strand). Cytogenetic location: 12p13.2.
Variant type: single nucleotide variant.
Coding change: c.164-1G>C on transcript NM_001987.5 (MANE Select); the canonical splice acceptor site of the intron before coding-DNA position 164, G replaced by C.
Molecular consequence: splice acceptor variant.
Genome position (GRCh38, 1-based): chr12:11,839,139, G>C. VCF-style: chr12-11839139-G-C. GRCh37 (hg19) VCF-style: chr12-11992073-G-C.
Other names: c.137-1G>C (NM_001413914.1); c.164-1G>C (NM_001413917.1, NM_001413916.1, NM_001413918.1); c.161-1G>C (NM_001413913.1); c.-101-1G>C (NM_001413915.1).
Identifiers: ClinVar variation 4618859 (VCV004618859.1).

ClinVar aggregate classification (germline): Likely pathogenic (1 of 4 stars; one submission).

Conditions:
Inborn genetic diseases. Identifiers: MedGen C0950123, MeSH D030342.

Submission:

Ambry Genetics
Classification: Likely pathogenic for Inborn genetic diseases. Last evaluated: 2025-11-05. Review status: criteria provided, single submitter. Criteria: Ambry Variant Classification Scheme 2023. Collection method: clinical testing. Allele origin: germline.
Comment: The c.164-1G>C intronic variant results from a G to C substitution one nucleotide upstream from coding exon 3 of the ETV6 gene. This variant is considered to be rare based on population cohorts in the Genome Aggregation Database (gnomAD). In silico splice site analysis predicts that this alteration will weaken the native splice acceptor site and will result in the creation or strengthening of a novel splice acceptor site. Alterations that disrupt the canonical splice site are expected to cause aberrant splicing, resulting in an abnormal protein or a transcript that is subject to nonsense-mediated mRNA decay. As such, this alteration is classified as likely pathogenic.